The following is an entry in ClinVar:

NM_003737.4(DCHS1):c.6206C>T (p.Pro2069Leu)

Gene: DCHS1 (dachsous cadherin-related 1; minus strand). Cytogenetic location: 11p15.4.
Variant type: single nucleotide variant.
Coding change: c.6206C>T on transcript NM_003737.4 (MANE Select); coding-DNA position 6206, C replaced by T.
Protein change: p.Pro2069Leu; replaces proline 2069 with leucine.
Molecular consequence: missense variant.
Genome position (GRCh38, 1-based): chr11:6,626,833, G>A on the plus strand (C>T on the coding strand, the complement: DCHS1 is on the minus strand). VCF-style: chr11-6626833-G-A. GRCh37 (hg19) VCF-style: chr11-6648064-G-A.
Other names: short protein forms P2069L.
Identifiers: ClinVar variation 1302077 (VCV001302077.7), dbSNP rs1589954211, ClinGen allele CA379388791.

ClinVar aggregate classification (germline): Uncertain significance. Review status: criteria provided, multiple submitters, no conflicts (2 of 4 stars). 2 submissions from 2 submitters: Uncertain significance (2). Last evaluated 2022-08-31.

Allele frequency attached by ClinVar (database versions not stated): gnomAD exomes below 0.00001.
gnomAD v4.1: 1 of 1,613,200 alleles (0.000062%); highest among the groups gnomAD compares: Non-Finnish European, 0.000085%; no homozygotes.

Submissions (2):

Labcorp Genetics (formerly Invitae), Labcorp
Classification: Uncertain significance. Last evaluated: 2022-08-31. Review status: criteria provided, single submitter. Criteria: Invitae Variant Classification Sherloc (09022015). Collection method: clinical testing. Allele origin: germline.
Comment: This sequence change replaces proline, which is neutral and non-polar, with leucine, which is neutral and non-polar, at codon 2069 of the DCHS1 protein (p.Pro2069Leu). In summary, the available evidence is currently insufficient to determine the role of this variant in disease. Therefore, it has been classified as a Variant of Uncertain Significance. Advanced modeling of protein sequence and biophysical properties (such as structural, functional, and spatial information, amino acid conservation, physicochemical variation, residue mobility, and thermodynamic stability) performed at Invitae indicates that this missense variant is not expected to disrupt DCHS1 protein function. ClinVar contains an entry for this variant (Variation ID: 1302077). This variant has not been reported in the literature in individuals affected with DCHS1-related conditions. This variant is not present in population databases (gnomAD no frequency).

GeneDx
Classification: Uncertain significance. Last evaluated: 2019-05-09. Review status: criteria provided, single submitter. Criteria: GeneDx Variant Classification Process June 2021. Collection method: clinical testing. Allele origin: germline. Affected: yes.
Comment: Not observed in large population cohorts (Lek et al., 2016); In silico analysis, which includes protein predictors and evolutionary conservation, supports a deleterious effect; Has not been previously published as pathogenic or benign to our knowledge